The following is an entry in ClinVar:

NM_001065.4(TNFRSF1A):c.472+6C>T

Gene: TNFRSF1A (TNF receptor superfamily member 1A; minus strand). Cytogenetic location: 12p13.31.
Variant type: single nucleotide variant.
Coding change: c.472+6C>T on transcript NM_001065.4 (MANE Select); 6 bases into the intron after coding-DNA position 472, C replaced by T.
Molecular consequence: intron variant.
Genome position (GRCh38, 1-based): chr12:6,333,361, G>A on the plus strand (C>T on the coding strand, the complement: TNFRSF1A is on the minus strand). VCF-style: chr12-6333361-G-A. GRCh37 (hg19) VCF-style: chr12-6442527-G-A.
Other names: c.148+6C>T (NM_001346091.2); c.-106+6C>T (NM_001346092.2).
Identifiers: ClinVar variation 97705 (VCV000097705.49), dbSNP rs104895277, ClinGen allele CA280868.

ClinVar aggregate classification (germline): Uncertain significance. Review status: criteria provided, multiple submitters, no conflicts (2 of 4 stars). 3 submissions from 3 submitters: Uncertain significance (2). 1 of the submissions does not count toward it. Last evaluated 2025-01-23.

Conditions:
TNF receptor-associated periodic fever syndrome (TRAPS) (FPF). Also called: FAMILIAL HIBERNIAN FEVER; TNF RECEPTOR-ASSOCIATED PERIODIC SYNDROME; TUMOR NECROSIS FACTOR RECEPTOR-ASSOCIATED PERIODIC SYNDROME; TNF Receptor-Associated Periodic Fever Syndrome; TNF receptor 1-associated periodic fever syndrome; Autosomal Dominant Familial Periodic Fever. Identifiers: Orphanet 32960, MedGen C1275126, MONDO:0007727, OMIM 142680.

Allele frequency attached by ClinVar (database versions not stated): gnomAD 0.00001; TOPMed 0.00002; ExAC 0.00005.
gnomAD v4.1: 49 of 1,613,084 alleles (0.003%); highest among the groups gnomAD compares: South Asian, 0.011%; 1 homozygote.

Submissions (3):

Labcorp Genetics (formerly Invitae), Labcorp
Classification: Uncertain significance for TNF receptor-associated periodic fever syndrome (TRAPS). Last evaluated: 2025-01-23. Review status: criteria provided, single submitter. Criteria: Invitae Variant Classification Sherloc (09022015). Collection method: clinical testing. Allele origin: germline.
Comment: This sequence change falls in intron 4 of the TNFRSF1A gene. It does not directly change the encoded amino acid sequence of the TNFRSF1A protein. It affects a nucleotide within the consensus splice site. This variant is present in population databases (rs104895277, gnomAD 0.02%). This variant has been observed in individual(s) with clinical features of tumor necrosis factor receptor-associated periodic syndrome (PMID: 29047407, 33225392). ClinVar contains an entry for this variant (Variation ID: 97705). Variants that disrupt the consensus splice site are a relatively common cause of aberrant splicing (PMID: 17576681, 9536098). Algorithms developed to predict the effect of sequence changes on RNA splicing suggest that this variant is not likely to affect RNA splicing. In summary, the available evidence is currently insufficient to determine the role of this variant in disease. Therefore, it has been classified as a Variant of Uncertain Significance.

CeGaT Center for Human Genetics Tuebingen
Classification: Uncertain significance. Last evaluated: 2019-08-01. Review status: criteria provided, single submitter. Criteria: CeGaT Center For Human Genetics Tuebingen Variant Classification Criteria Version 2. Collection method: clinical testing. Allele origin: germline. Affected: yes. Observed: 1 variant allele.

Unité médicale des maladies autoinflammatoires, CHRU Montpellier
No classification provided. Condition: TNF receptor-associated periodic fever syndrome (TRAPS). Review status: no classification provided. Collection method: not provided. Allele origin: unknown. Not counted in ClinVar's aggregate classification.

Literature cited by the submitters: PubMed 29047407 (cited by Labcorp Genetics (formerly Invitae), Labcorp); PubMed 33225392 (cited by Labcorp Genetics (formerly Invitae), Labcorp); PubMed 17576681 (cited by Labcorp Genetics (formerly Invitae), Labcorp); PubMed 9536098 (cited by Labcorp Genetics (formerly Invitae), Labcorp).